The following is an entry in ClinVar:

NM_000548.5(TSC2):c.2742+7T>C

Gene: TSC2 (TSC complex subunit 2; plus strand). Cytogenetic location: 16p13.3.
Variant type: single nucleotide variant.
Coding change: c.2742+7T>C on transcript NM_000548.5 (MANE Select); 7 bases into the intron after coding-DNA position 2742, T replaced by C.
Molecular consequence: intron variant.
Genome position (GRCh38, 1-based): chr16:2,076,177, T>C. VCF-style: chr16-2076177-T-C. GRCh37 (hg19) VCF-style: chr16-2126178-T-C.
Other names: c.2742+7T>C (NM_001114382.3, NM_021055.3, NM_001370405.1 and 3 more transcripts); c.2631+7T>C (NM_001318827.2); c.2142+7T>C (NM_001318831.2); c.2595+7T>C (NM_001318829.2); c.2775+7T>C (NM_001318832.2).
Identifiers: ClinVar variation 1117253 (VCV001117253.10), dbSNP rs2151389494, ClinGen allele CA2499223308.

ClinVar aggregate classification (germline): Likely benign. Review status: criteria provided, multiple submitters, no conflicts (2 of 4 stars). 2 submissions from 2 submitters: Likely benign (2). Last evaluated 2025-05-22.

Conditions:
Tuberous sclerosis 2 (TSC2). Identifiers: Orphanet 805, MedGen C1860707, MONDO:0013199, OMIM 613254.

Submissions (2):

Myriad Genetics, Inc.
Classification: Likely benign for Tuberous sclerosis 2. Last evaluated: 2025-05-22. Review status: criteria provided, single submitter. Criteria: Myriad Autosomal Dominant, Autosomal Recessive and X-Linked Classification Criteria (2023). Collection method: clinical testing. Allele origin: unknown.
Comment: This variant is considered likely benign. This variant is intronic and is not expected to impact mRNA splicing.

Labcorp Genetics (formerly Invitae), Labcorp
Classification: Likely benign for Tuberous sclerosis 2. Last evaluated: 2019-09-14. Review status: criteria provided, single submitter. Criteria: Invitae Variant Classification Sherloc (09022015). Collection method: clinical testing. Allele origin: germline.